The following is an entry in ClinVar:

ClinVar aggregate classification (germline): Uncertain significance (1 of 4 stars; one submission).

Submission:

Ambry Genetics
Classification: Uncertain significance. Last evaluated: 2023-01-15. Review status: criteria provided, single submitter. Criteria: Ambry Variant Classification Scheme 2023. Collection method: clinical testing. Allele origin: germline.
Comment: The p.C125G variant (also known as c.373T>G), located in coding exon 2 of the GALNT12 gene, results from a T to G substitution at nucleotide position 373. The cysteine at codon 125 is replaced by glycine, an amino acid with highly dissimilar properties. This amino acid position is conserved. In addition, this alteration is predicted to be deleterious by in silico analysis. Since supporting evidence is limited at this time, the clinical significance of this alteration remains unclear.

NM_024642.5(GALNT12):c.373T>G (p.Cys125Gly)

Gene: GALNT12 (polypeptide N-acetylgalactosaminyltransferase 12; plus strand). Cytogenetic location: 9q22.33.
Variant type: single nucleotide variant.
Coding change: c.373T>G on transcript NM_024642.5 (MANE Select); coding-DNA position 373, T replaced by G.
Protein change: p.Cys125Gly; replaces cysteine 125 with glycine.
Molecular consequence: missense variant.
Genome position (GRCh38, 1-based): chr9:98,823,257, T>G. VCF-style: chr9-98823257-T-G. GRCh37 (hg19) VCF-style: chr9-101585539-T-G.
Other names: short protein forms C125G.
Identifiers: ClinVar variation 2447040 (VCV002447040.2), dbSNP rs758912709, ClinGen allele CA374216427.